The following is an entry in ClinVar:

ClinVar aggregate classification (germline): Uncertain significance (1 of 4 stars; one submission).

Conditions:
Hereditary cancer-predisposing syndrome. Also called: Hereditary Cancer Syndrome; Tumor predisposition; Hereditary neoplastic syndrome; Neoplastic Syndromes, Hereditary. Identifiers: Orphanet 140162, MedGen C0027672, MeSH D009386, MONDO:0015356.

Submission:

Ambry Genetics
Classification: Uncertain significance for Hereditary cancer-predisposing syndrome. Last evaluated: 2024-10-30. Review status: criteria provided, single submitter. Criteria: Ambry Variant Classification Scheme 2023. Collection method: clinical testing. Allele origin: germline.
Comment: The p.E889Q variant (also known as c.2665G>C), located in coding exon 20 of the MSH3 gene, results from a G to C substitution at nucleotide position 2665. The glutamic acid at codon 889 is replaced by glutamine, an amino acid with highly similar properties. This amino acid position is conserved. In addition, this alteration is predicted to be tolerated by in silico analysis. Based on the available evidence, the clinical significance of this variant remains unclear.

NM_002439.5(MSH3):c.2665G>C (p.Glu889Gln)

Gene: MSH3 (mutS homolog 3; plus strand). Cytogenetic location: 5q14.1.
Variant type: single nucleotide variant.
Coding change: c.2665G>C on transcript NM_002439.5 (MANE Select); coding-DNA position 2665, G replaced by C.
Protein change: p.Glu889Gln; replaces glutamic acid 889 with glutamine.
Molecular consequence: missense variant.
Genome position (GRCh38, 1-based): chr5:80,813,593, G>C. VCF-style: chr5-80813593-G-C. GRCh37 (hg19) VCF-style: chr5-80109412-G-C.
Other names: short protein forms E889Q.
Identifiers: ClinVar variation 3398760 (VCV003398760.1).
Genomic context (GRCh38, chr5:80,813,593, plus strand): 5'-TTATCAAAAACTTTTCTGGTACAATAAGTGAAATTCCTTTCTAATTTTCAGGAGGACTCA[G>C]AGAGAGTAATGATAATTACCGGACCAAACATGGGTGGAAAGAGCTCCTACATAAAACAAG-3'
Protein context (NP_002430.3, residues 879-899): PNNTDLSEDS[Glu889Gln]RVMIITGPNM